The following is an entry in ClinVar:

ClinVar aggregate classification (germline): Uncertain significance. Review status: criteria provided, multiple submitters, no conflicts (2 of 4 stars). 2 submissions from 2 submitters: Uncertain significance (2). Last evaluated 2025-05-30.

Conditions:
Mitochondrial complex II deficiency, nuclear type 1. Also called: SUCCINATE CoQ REDUCTASE DEFICIENCY. Identifiers: Orphanet 3208, MedGen C5700310, MONDO:0100294, OMIM 252011.
Pheochromocytoma/paraganglioma syndrome 5. Also called: Paragangliomas 5; SDHA-Related Hereditary Paraganglioma-Pheochromocytoma Syndrome. Identifiers: Orphanet 29072, MedGen C3279992, MONDO:0013602, OMIM 614165.
Hereditary cancer-predisposing syndrome. Also called: Neoplastic Syndromes, Hereditary; Tumor predisposition; Hereditary Cancer Syndrome; Hereditary neoplastic syndrome. Identifiers: Orphanet 140162, MedGen C0027672, MeSH D009386, MONDO:0015356.

Allele frequency attached by ClinVar (database versions not stated): gnomAD exomes 0.00001.
gnomAD v4.1: 7 of 1,613,766 alleles (0.00043%); highest among the groups gnomAD compares: South Asian, 0.0077%; no homozygotes.

Submissions (2):

Ambry Genetics
Classification: Uncertain significance for Hereditary cancer-predisposing syndrome. Last evaluated: 2025-05-30. Review status: criteria provided, single submitter. Criteria: Ambry Variant Classification Scheme 2023. Collection method: clinical testing. Allele origin: germline.
Comment: The c.1432G>C variant (also known as p.G478R), located in coding exon 10 of the SDHA gene, results from a G to C substitution at nucleotide position 1432. The amino acid change results in glycine to arginine at codon 478, an amino acid with dissimilar properties. However, this change occurs in the last base pair of coding exon 10, which makes it likely to have some effect on normal mRNA splicing. This nucleotide position is highly conserved in available vertebrate species. This amino acid position is highly conserved in available vertebrate species. In silico splice site analysis predicts that this alteration will not have any significant effect on splicing. In addition, the in silico prediction for this alteration is inconclusive. Based on the available evidence, the clinical significance of this variant remains unclear.

Labcorp Genetics (formerly Invitae), Labcorp
Classification: Uncertain significance for Pheochromocytoma/paraganglioma syndrome 5; Mitochondrial complex II deficiency, nuclear type 1. Last evaluated: 2023-01-27. Review status: criteria provided, single submitter. Criteria: Invitae Variant Classification Sherloc (09022015). Collection method: clinical testing. Allele origin: germline.
Comment: This sequence change replaces glycine, which is neutral and non-polar, with arginine, which is basic and polar, at codon 478 of the SDHA protein (p.Gly478Arg). This variant also falls at the last nucleotide of exon 10, which is part of the consensus splice site for this exon. In summary, the available evidence is currently insufficient to determine the role of this variant in disease. Therefore, it has been classified as a Variant of Uncertain Significance. Variants that disrupt the consensus splice site are a relatively common cause of aberrant splicing (PMID: 17576681, 9536098). Algorithms developed to predict the effect of missense changes on protein structure and function (SIFT, PolyPhen-2, Align-GVGD) all suggest that this variant is likely to be disruptive. This variant has not been reported in the literature in individuals affected with SDHA-related conditions. This variant is present in population databases (rs759041443, gnomAD 0.003%).

Literature cited by the submitters: PubMed 17576681 (cited by Labcorp Genetics (formerly Invitae), Labcorp); PubMed 9536098 (cited by Labcorp Genetics (formerly Invitae), Labcorp).

NM_004168.4(SDHA):c.1432G>C (p.Gly478Arg)

Gene: SDHA (succinate dehydrogenase complex flavoprotein subunit A; plus strand). Cytogenetic location: 5p15.33.
Variant type: single nucleotide variant.
Coding change: c.1432G>C on transcript NM_004168.4 (MANE Select); coding-DNA position 1432, G replaced by C.
Protein change: p.Gly478Arg; replaces glycine 478 with arginine.
Molecular consequence: missense variant.
Genome position (GRCh38, 1-based): chr5:236,599, G>C. VCF-style: chr5-236599-G-C. GRCh37 (hg19) VCF-style: chr5-236714-G-C.
Other names: c.1288G>C, p.Gly430Arg (NM_001294332.2); c.1432G>C, p.Gly478Arg (NM_001330758.2); short protein forms G478R, G430R.
Identifiers: ClinVar variation 2567088 (VCV002567088.6), dbSNP rs759041443, ClinGen allele CA3173227.
Genomic context (GRCh38, chr5:236,599, plus strand): 5'-TTGGACCTGGTTGTCTTTGGTCGGGCATGTGCCCTGAGCATCGAAGAGTCATGCAGGCCT[G>C]GTAAGTGTTTTCTTCAGGAGCCAGACTATTTGAGAAGGCGCAGGACGTTAGAAAGTCTTT-3'
Protein context (NP_004159.2, residues 468-488): ALSIEESCRP[Gly478Arg]DKVPPIKPNA